The following is an entry in ClinVar:

NM_001330260.2(SCN8A):c.197C>G (p.Pro66Arg)

Genes: SCN8A (sodium voltage-gated channel alpha subunit 8; plus strand), LOC114803470 (SCN8A eExon liver enhancer; plus strand). Cytogenetic location: 12q13.13.
Variant type: single nucleotide variant.
Coding change: c.197C>G on transcript NM_001330260.2 (MANE Select); coding-DNA position 197, C replaced by G.
Protein change: p.Pro66Arg; replaces proline 66 with arginine.
Molecular consequence: missense variant.
Genome position (GRCh38, 1-based): chr12:51,663,014, C>G. VCF-style: chr12-51663014-C-G. GRCh37 (hg19) VCF-style: chr12-52056798-C-G.
Other names: c.197C>G, p.Pro66Arg (NM_001177984.3, NM_001369788.1, NM_014191.4); short protein forms P66R.
Identifiers: ClinVar variation 1329653 (VCV001329653.2), dbSNP rs1940955829, ClinGen allele CA385228267.
Genomic context (GRCh38, chr12:51,663,014, plus strand): 5'-AGGACGATGAGGACAGCAAGCCCAAGCCAAACAGCGACCTGGAAGCAGGGAAGAGTTTGC[C>G]TTTCATCTACGGGGACATCCCCCAAGGCCTGGTTGCAGTTCCCCTGGAGGACTTTGACCC-3'
Protein context (NP_001317189.1, residues 56-76): NSDLEAGKSL[Pro66Arg]FIYGDIPQGL

ClinVar aggregate classification (germline): Uncertain significance (1 of 4 stars; one submission).

Submission:

GeneDx
Classification: Uncertain significance. Last evaluated: 2021-06-24. Review status: criteria provided, single submitter. Criteria: GeneDx Variant Classification Process June 2021. Collection method: clinical testing. Allele origin: germline. Affected: yes.
Comment: Not observed at significant frequency in large population cohorts (Lek et al., 2016); Missense variants in this gene are often considered pathogenic (Stenson et al., 2014); In silico analysis supports that this missense variant has a deleterious effect on protein structure/function; Has not been previously published as pathogenic or benign to our knowledge; This variant is associated with the following publications: (PMID: 27535533, 24077912, 26029160)